The following is an entry in ClinVar:

NM_001161352.2(KCNMA1):c.3353G>T (p.Cys1118Phe)

Genes: KCNMA1-AS1 (KCNMA1 antisense RNA 1; plus strand), KCNMA1 (potassium calcium-activated channel subfamily M alpha 1; minus strand). Cytogenetic location: 10q22.3.
Variant type: single nucleotide variant.
Coding change: c.3353G>T on transcript NM_001161352.2 (MANE Select); coding-DNA position 3353, G replaced by T.
Protein change: p.Cys1118Phe; replaces cysteine 1118 with phenylalanine.
Molecular consequence: missense variant.
Genome position (GRCh38, 1-based): chr10:76,889,559, C>A on the plus strand (G>T on the coding strand, the complement: KCNMA1 is on the minus strand). VCF-style: chr10-76889559-C-A. GRCh37 (hg19) VCF-style: chr10-78649317-C-A.
Other names: c.3191G>T, p.Cys1064Phe (NM_001014797.3); c.3302G>T, p.Cys1101Phe (NM_001161353.2); c.3029G>T, p.Cys1010Phe (NM_001271518.2); c.3269G>T, p.Cys1090Phe (NM_001271519.2); c.3188G>T, p.Cys1063Phe (NM_001322829.2, NM_001322836.2); c.3281G>T, p.Cys1094Phe (NM_001322830.2); c.3179G>T, p.Cys1060Phe (NM_001322832.2, NM_001410940.1, NM_002247.4); c.3272G>T, p.Cys1091Phe (NM_001322835.2, NM_001322837.2); and 1 more; short protein forms C1010F, C1060F, C1063F, C1064F, C1090F, C1091F, C1094F, C1101F.
Identifiers: ClinVar variation 2581976 (VCV002581976.3), dbSNP rs778283524, ClinGen allele CA377403241.

ClinVar aggregate classification (germline): Uncertain significance. Review status: criteria provided, multiple submitters, no conflicts (2 of 4 stars). 2 submissions from 2 submitters: Uncertain significance (2). Last evaluated 2024-11-06.

Conditions:
Generalized epilepsy-paroxysmal dyskinesia syndrome (PNKD3). Also called: Generalized epilepsy and paroxysmal dyskinesia; Paroxysmal nonkinesigenic dyskinesia, 3, with or without generalized epilepsy. Identifiers: Orphanet 79137, MedGen C5574945, MONDO:0012276, OMIM 609446.

Submissions (2):

Labcorp Genetics (formerly Invitae), Labcorp
Classification: Uncertain significance for Generalized epilepsy-paroxysmal dyskinesia syndrome. Last evaluated: 2024-11-06. Review status: criteria provided, single submitter. Criteria: Invitae Variant Classification Sherloc (09022015). Collection method: clinical testing. Allele origin: germline.
Comment: This sequence change replaces cysteine, which is neutral and slightly polar, with phenylalanine, which is neutral and non-polar, at codon 1060 of the KCNMA1 protein (p.Cys1060Phe). This variant is not present in population databases (gnomAD no frequency). This variant has not been reported in the literature in individuals affected with KCNMA1-related conditions. ClinVar contains an entry for this variant (Variation ID: 2581976). Invitae Evidence Modeling of protein sequence and biophysical properties (such as structural, functional, and spatial information, amino acid conservation, physicochemical variation, residue mobility, and thermodynamic stability) indicates that this missense variant is not expected to disrupt KCNMA1 protein function with a negative predictive value of 80%. In summary, the available evidence is currently insufficient to determine the role of this variant in disease. Therefore, it has been classified as a Variant of Uncertain Significance.

GeneDx
Classification: Uncertain significance. Last evaluated: 2023-03-28. Review status: criteria provided, single submitter. Criteria: GeneDx Variant Classification Process June 2021. Collection method: clinical testing. Allele origin: germline. Affected: yes.
Comment: Not observed at significant frequency in large population cohorts (gnomAD); In silico analysis supports that this missense variant has a deleterious effect on protein structure/function; Has not been previously published as pathogenic or benign to our knowledge